The following is an entry in ClinVar:

NM_194248.3(OTOF):c.4417G>A (p.Gly1473Ser)

Gene: OTOF (otoferlin; minus strand). Cytogenetic location: 2p23.3.
Variant type: single nucleotide variant.
Coding change: c.4417G>A on transcript NM_194248.3 (MANE Select); coding-DNA position 4417, G replaced by A.
Protein change: p.Gly1473Ser; replaces glycine 1473 with serine.
Molecular consequence: missense variant.
Genome position (GRCh38, 1-based): chr2:26,466,797, C>T on the plus strand (G>A on the coding strand, the complement: OTOF is on the minus strand). VCF-style: chr2-26466797-C-T. GRCh37 (hg19) VCF-style: chr2-26689665-C-T.
Other names: c.2116G>A, p.Gly706Ser (NM_194323.3, NM_004802.4); c.4417G>A, p.Gly1473Ser (NM_001287489.2); c.2347G>A, p.Gly783Ser (NM_194322.3); short protein forms G1473S, G706S, G783S.
Identifiers: ClinVar variation 1804434 (VCV001804434.6), dbSNP rs371051158, ClinGen allele CA1563171.

ClinVar aggregate classification (germline): Conflicting classifications of pathogenicity. Review status: criteria provided, conflicting classifications (1 of 4 stars). 3 submissions from 3 submitters: Uncertain significance (2); Likely benign (1). Last evaluated 2026-01-20.

Allele frequency attached by ClinVar (database versions not stated): gnomAD 0.00005; TOPMed 0.00006; ESP Exome Variant Server 0.00008.
gnomAD v4.1: 52 of 1,614,102 alleles (0.0032%); highest among the groups gnomAD compares: South Asian, 0.021%; no homozygotes.

Submissions (3):

Labcorp Genetics (formerly Invitae), Labcorp
Classification: Likely benign. Last evaluated: 2026-01-20. Review status: criteria provided, single submitter. Criteria: Invitae Variant Classification Sherloc (09022015). Collection method: clinical testing. Allele origin: germline.

GeneDx
Classification: Uncertain significance. Last evaluated: 2025-09-11. Review status: criteria provided, single submitter. Criteria: GeneDx Variant Classification Process June 2021. Collection method: clinical testing. Allele origin: germline.
Comment: In silico analysis supports that this missense variant has a deleterious effect on protein structure/function; Has not been previously published as pathogenic or benign to our knowledge

Blueprint Genetics
Classification: Uncertain significance. Last evaluated: 2024-03-20. Review status: criteria provided, single submitter. Criteria: ACMG Guidelines, 2015. Collection method: clinical testing. Allele origin: germline.